The following is an entry in ClinVar:

NM_000127.3(EXT1):c.1024_1025insCACGAGGTCGCAGGCCCAAGGTCGAAGGC (p.Leu342fs)

Gene: EXT1 (exostosin glycosyltransferase 1; minus strand). Cytogenetic location: 8q24.11.
Variant type: Insertion.
Coding change: c.1024_1025insCACGAGGTCGCAGGCCCAAGGTCGAAGGC on transcript NM_000127.3 (MANE Select); coding-DNA positions 1024 to 1025, CACGAGGTCGCAGGCCCAAGGTCGAAGGC inserted.
Protein change: p.Leu342fs; shifts the reading frame from leucine 342.
Molecular consequence: frameshift variant.
Genome position: GRCh38 VCF-style: chr8-117837139-A-AGCCTTCGACCTTGGGCCTGCGACCTCGTG. GRCh37 (hg19) VCF-style: chr8-118849378-A-AGCCTTCGACCTTGGGCCTGCGACCTCGTG.
Other names: short protein forms L342fs.
Identifiers: ClinVar variation 4726803 (VCV004726803.1).

ClinVar aggregate classification (germline): Pathogenic (1 of 4 stars; one submission).

Conditions:
Multiple congenital exostosis (EXT). Also called: Multiple exostoses; MULTIPLE CARTILAGINOUS EXOSTOSES; Hereditary multiple exostoses; Hereditary multiple exostosis; Multiple osteochondromas; Hereditary multiple osteochondromas. Identifiers: Orphanet 321, MedGen C0015306, MONDO:0005508, HP:0002762.

Submission:

Labcorp Genetics (formerly Invitae), Labcorp
Classification: Pathogenic for Multiple congenital exostosis. Last evaluated: 2025-09-08. Review status: criteria provided, single submitter. Criteria: Invitae Variant Classification Sherloc (09022015). Collection method: clinical testing. Allele origin: germline.
Comment: This sequence change creates a premature translational stop signal (p.Leu342Profs*27) in the EXT1 gene. It is expected to result in an absent or disrupted protein product. Loss-of-function variants in EXT1 are known to be pathogenic (PMID: 10679937, 11391482, 19810120). This variant is not present in population databases (gnomAD no frequency). This variant has not been reported in the literature in individuals affected with EXT1-related conditions. For these reasons, this variant has been classified as Pathogenic.

Literature cited by the submitters: PubMed 10679937; PubMed 11391482; PubMed 19810120.